The following is an entry in ClinVar:

ClinVar aggregate classification (germline): Pathogenic (1 of 4 stars; one submission).

Conditions:
Hypertrophic cardiomyopathy. Also called: HYPERTROPHIC MYOCARDIOPATHY. Identifiers: Orphanet 217569, MedGen C0007194, MeSH D002312, MONDO:0005045, HP:0001639.

Submission:

Labcorp Genetics (formerly Invitae), Labcorp
Classification: Pathogenic for Hypertrophic cardiomyopathy. Last evaluated: 2024-10-06. Review status: criteria provided, single submitter. Criteria: Invitae Variant Classification Sherloc (09022015). Collection method: clinical testing. Allele origin: germline.
Comment: This sequence change creates a premature translational stop signal (p.Val454Trpfs*6) in the MYBPC3 gene. It is expected to result in an absent or disrupted protein product. Loss-of-function variants in MYBPC3 are known to be pathogenic (PMID: 19574547). This variant is not present in population databases (gnomAD no frequency). This variant has not been reported in the literature in individuals affected with MYBPC3-related conditions. For these reasons, this variant has been classified as Pathogenic.

Literature cited by the submitters: PubMed 19574547.

NM_000256.3(MYBPC3):c.1360_1378del (p.Val454fs)

Gene: MYBPC3 (myosin binding protein C3; minus strand). Cytogenetic location: 11p11.2.
Variant type: Deletion.
Coding change: c.1360_1378del on transcript NM_000256.3 (MANE Select); coding-DNA positions 1360 to 1378, 19 bases deleted (GTGCTCATCACGCGCCCCT).
Protein change: p.Val454fs; shifts the reading frame from valine 454.
Molecular consequence: frameshift variant.
Genome position (GRCh38, 1-based): chr11:47,342,909-47,342,927, AGGGGCGCGTGATGAGCAC deleted on the plus strand (GTGCTCATCACGCGCCCCT on the coding strand, the reverse complement: MYBPC3 is on the minus strand); deleting any 19 consecutive bases within chr11:47,342,909-47,342,932 gives the same sequence; the c. name uses the placement nearest the transcript's 3' end. VCF-style (leftmost placement, unchanged base first): chr11-47342908-AAGGGGCGCGTGATGAGCAC-A. GRCh37 (hg19) VCF-style: chr11-47364459-AAGGGGCGCGTGATGAGCAC-A.
Other names: short protein forms V454fs.
Identifiers: ClinVar variation 3663028 (VCV003663028.2).